The following is an entry in ClinVar:

ClinVar aggregate classification (germline): Uncertain significance (1 of 4 stars; one submission).

gnomAD v4.1: 2 of 1,614,098 alleles (0.00012%); highest among the groups gnomAD compares: African/African-American, 0.0013%; no homozygotes.

Submission:

Labcorp Genetics (formerly Invitae), Labcorp
Classification: Uncertain significance. Last evaluated: 2025-10-27. Review status: criteria provided, single submitter. Criteria: Invitae Variant Classification Sherloc (09022015). Collection method: clinical testing. Allele origin: germline.
Comment: This sequence change replaces aspartic acid, which is acidic and polar, with asparagine, which is neutral and polar, at codon 566 of the CNGB1 protein (p.Asp566Asn). This variant is present in population databases (rs752271901, gnomAD 0.007%). This variant has not been reported in the literature in individuals affected with CNGB1-related conditions. Invitae Evidence Modeling of protein sequence and biophysical properties (such as structural, functional, and spatial information, amino acid conservation, physicochemical variation, residue mobility, and thermodynamic stability) indicates that this missense variant is not expected to disrupt CNGB1 protein function with a negative predictive value of 80%. In summary, the available evidence is currently insufficient to determine the role of this variant in disease. Therefore, it has been classified as a Variant of Uncertain Significance.

NM_001297.5(CNGB1):c.1696G>A (p.Asp566Asn)

Gene: CNGB1 (cyclic nucleotide gated channel subunit beta 1; minus strand). Cytogenetic location: 16q21.
Variant type: single nucleotide variant.
Coding change: c.1696G>A on transcript NM_001297.5 (MANE Select); coding-DNA position 1696, G replaced by A.
Protein change: p.Asp566Asn; replaces aspartic acid 566 with asparagine.
Molecular consequence: missense variant.
Genome position (GRCh38, 1-based): chr16:57,920,492, C>T on the plus strand (G>A on the coding strand, the complement: CNGB1 is on the minus strand). VCF-style: chr16-57920492-C-T. GRCh37 (hg19) VCF-style: chr16-57954396-C-T.
Other names: c.1678G>A, p.Asp560Asn (NM_001286130.2); short protein forms D560N, D566N.
Identifiers: ClinVar variation 4697042 (VCV004697042.1).